The following is an entry in ClinVar:

ClinVar aggregate classification (germline): Uncertain significance (1 of 4 stars; one submission).

Submission:

GeneDx
Classification: Uncertain significance. Last evaluated: 2021-12-09. Review status: criteria provided, single submitter. Criteria: GeneDx Variant Classification Process June 2021. Collection method: clinical testing. Allele origin: germline. Affected: yes.
Comment: Not observed at significant frequency in large population cohorts (gnomAD); In silico analysis supports that this missense variant does not alter protein structure/function; Has not been previously published as pathogenic or benign to our knowledge

NM_000660.7(TGFB1):c.360C>G (p.Ile120Met)

Gene: TGFB1 (transforming growth factor beta 1; minus strand). Cytogenetic location: 19q13.2.
Variant type: single nucleotide variant.
Coding change: c.360C>G on transcript NM_000660.7 (MANE Select); coding-DNA position 360, C replaced by G.
Protein change: p.Ile120Met; replaces isoleucine 120 with methionine.
Molecular consequence: missense variant.
Genome position (GRCh38, 1-based): chr19:41,348,451, G>C on the plus strand (C>G on the coding strand, the complement: TGFB1 is on the minus strand). VCF-style: chr19-41348451-G-C. GRCh37 (hg19) VCF-style: chr19-41854356-G-C.
Other names: short protein forms I120M.
Identifiers: ClinVar variation 1691632 (VCV001691632.3), dbSNP rs1018687476, ClinGen allele CA308515465.